The following is an entry in ClinVar:

ClinVar aggregate classification (germline): Pathogenic. Review status: criteria provided, multiple submitters, no conflicts (2 of 4 stars). 12 submissions from 12 submitters: Pathogenic (10). 2 of the submissions do not count toward it. Last evaluated 2025-12-01.

Conditions:
ALMS1-related disorder. Also called: ALMS1-related condition.
Cardiovascular phenotype. Identifiers: MedGen CN230736.
Retinal dystrophy. Also called: Inherited retinal dystrophy. Identifiers: Orphanet 71862, MedGen C0854723, MeSH D058499, MONDO:0019118, HP:0000556.
Alstrom syndrome (ALMS). Identifiers: Orphanet 64, MedGen C0268425, MONDO:0008763, OMIM 203800.

Allele frequency attached by ClinVar (database versions not stated): TOPMed 0.00002; gnomAD 0.00003 and 0.00004.
gnomAD v4.1: 104 of 1,608,160 alleles (0.0065%); highest among the groups gnomAD compares: Non-Finnish European, 0.0087%; no homozygotes.

Submissions (12):

Labcorp Genetics (formerly Invitae), Labcorp
Classification: Pathogenic for Alstrom syndrome. Last evaluated: 2025-12-01. Review status: criteria provided, single submitter. Criteria: Invitae Variant Classification Sherloc (09022015). Collection method: clinical testing. Allele origin: germline.
Comment: This sequence change creates a premature translational stop signal (p.Gln3495*) in the ALMS1 gene. It is expected to result in an absent or disrupted protein product. Loss-of-function variants in ALMS1 are known to be pathogenic (PMID: 17594715). This variant is present in population databases (rs772624348, gnomAD 0.01%). This premature translational stop signal has been observed in individuals with Alström syndrome (PMID: 11941370, 24462884, 28402684). It has also been observed to segregate with disease in related individuals. This variant is also known as p.Gln3494*. ClinVar contains an entry for this variant (Variation ID: 210122). For these reasons, this variant has been classified as Pathogenic.

Natera, Inc.
Classification: Pathogenic for Alstrom syndrome. Last evaluated: 2025-10-10. Review status: criteria provided, single submitter. Criteria: Natera Variant Classification Schema (03/2026). Collection method: clinical testing. Allele origin: germline.
Comment: The c.10483C>T variant in ALMS1 is a nonsense variant predicted to introduce a stop codon at amino acid 3495. This variant is expected to result in nonsense mediated decay, truncation, or a dysfunctional protein product. This variant is rare in the general population with a frequency below the threshold expected for the associated phenotype(s). This variant has been observed in one or more individuals affected with the associated recessive disease, as either homozygous or compound heterozygous with a second variant (PMID: 28402684, 29718281). Given the available evidence, this variant is classified as Pathogenic.

Ambry Genetics
Classification: Pathogenic for Cardiovascular phenotype. Last evaluated: 2025-02-04. Review status: criteria provided, single submitter. Criteria: Ambry Variant Classification Scheme 2023. Collection method: clinical testing. Allele origin: germline.
Comment: The p.Q3495* pathogenic mutation (also known as c.10483C>T), located in coding exon 16 of the ALMS1 gene, results from a C to T substitution at nucleotide position 10483. This changes the amino acid from a glutamine to a stop codon within coding exon 16. This variant has been identified in the homozygous state and/or in conjunction with other ALMS1 variant(s) in individual(s) with features consistent with Alstrom syndrome, and has been reported to segregate with disease (Hearn T et al. Nat Genet, 2002 May;31:79-83; Paisey RB et al. Eur J Med Genet, 2014 Feb;57:71-5; Cruz-Aguilar M et al. Genet Test Mol Biomarkers, 2017 Jun;21:397-401; Dotan G et al. Ophthalmic Genet Jan;38:440-445). In addition to the clinical data presented in the literature, this alteration is expected to result in loss of function by premature protein truncation or nonsense-mediated mRNA decay. As such, this alteration is interpreted as a disease-causing mutation.

Blueprint Genetics
Classification: Pathogenic for ALMS1-related disorders. Last evaluated: 2024-09-10. Review status: criteria provided, single submitter. Criteria: ACMG Guidelines, 2015. Collection method: clinical testing. Allele origin: germline. Affected: yes. Observed: 5 variant alleles.

Institute of Human Genetics, University of Leipzig Medical Center
Classification: Pathogenic for Alstrom syndrome. Last evaluated: 2024-03-11. Review status: criteria provided, single submitter. Criteria: ACMG Guidelines, 2015. Collection method: clinical testing. Allele origin: maternal. Inheritance: Autosomal recessive inheritance. Affected: yes.
Comment: Criteria applied: PVS1,PM3_STR,PM2_SUP,PP4; Identified as compund heterozygous with NM_001378454.1:c.11669-1G>A

GeneDx
Classification: Pathogenic. Last evaluated: 2024-02-20. Review status: criteria provided, single submitter. Criteria: GeneDx Variant Classification Process June 2021. Collection method: clinical testing. Allele origin: germline. Affected: yes.
Comment: Nonsense variant predicted to result in protein truncation or nonsense mediated decay in a gene for which loss-of-function is a known mechanism of disease; Not observed at significant frequency in large population cohorts (gnomAD); Also known as c.10477C>T p.Gln3493*; This variant is associated with the following publications: (PMID: 19440062, 33197640, 28402684, 26066530, 24462884, 17594715, 30064963, 29718281, 25846608, 26704672, 16720663, 22043170, 18195218, 28610912, 11941370)

Department of Pathology and Laboratory Medicine, Sinai Health System
Classification: Pathogenic for Alstrom syndrome. Last evaluated: 2023-05-24. Review status: criteria provided, single submitter. Criteria: ACMG Guidelines, 2015. Collection method: research. Allele origin: germline.

Clinical Genetics Laboratory, Skane University Hospital Lund
Classification: Pathogenic. Last evaluated: 2023-03-30. Review status: criteria provided, single submitter. Criteria: ACMG Guidelines, 2015. Collection method: clinical testing. Allele origin: germline. Affected: yes.

Institute of Human Genetics, Univ. Regensburg, Univ. Regensburg
Classification: Pathogenic for Retinal dystrophy. Last evaluated: 2020-01-01. Review status: criteria provided, single submitter. Criteria: ACMG Guidelines, 2015. Collection method: clinical testing. Allele origin: germline. Affected: yes.

Genetic Services Laboratory, University of Chicago
Classification: Pathogenic for Alstrom syndrome. Last evaluated: 2014-01-14. Review status: criteria provided, single submitter. Criteria: ACMG Guidelines, 2007. Collection method: clinical testing. Allele origin: germline. Affected: yes.

Clinical Genetics DNA and cytogenetics Diagnostics Lab, Erasmus MC, Erasmus Medical Center
Classification: Pathogenic. Review status: no assertion criteria provided. Collection method: clinical testing. Allele origin: germline. Affected: yes. Study: VKGL Data-share Consensus. Not counted in ClinVar's aggregate classification.

Joint Genome Diagnostic Labs from Nijmegen and Maastricht, Radboudumc and MUMC+
Classification: Pathogenic. Review status: no assertion criteria provided. Collection method: clinical testing. Allele origin: germline. Affected: yes. Study: VKGL Data-share Consensus. Not counted in ClinVar's aggregate classification.

Literature cited by the submitters: PubMed 17594715 (cited by Labcorp Genetics (formerly Invitae), Labcorp); PubMed 11941370 (cited by 3 submitters); PubMed 24462884 (cited by 3 submitters); PubMed 28402684 (cited by 4 submitters); PubMed 29718281 (cited by Natera, Inc.); PubMed 28112973 (cited by Ambry Genetics).

NM_001378454.1(ALMS1):c.10480C>T (p.Gln3494Ter)

Gene: ALMS1 (ALMS1 centrosome and basal body associated protein; plus strand). Cytogenetic location: 2p13.1.
Variant type: single nucleotide variant.
Coding change: c.10480C>T on transcript NM_001378454.1 (MANE Select); coding-DNA position 10480, C replaced by T.
Protein change: p.Gln3494Ter; replaces glutamine 3494 with a stop codon.
Molecular consequence: nonsense.
Genome position (GRCh38, 1-based): chr2:73,572,357, C>T. VCF-style: chr2-73572357-C-T. GRCh37 (hg19) VCF-style: chr2-73799484-C-T.
Other names: c.10483C>T, p.Gln3495Ter (NM_015120.4); short protein forms Q3495*, Q3494*.
Identifiers: ClinVar variation 210122 (VCV000210122.29), dbSNP rs772624348, ClinGen allele CA277038.